The following is an entry in ClinVar:

NM_199242.3(UNC13D):c.684-3C>T

Gene: UNC13D (unc-13 homolog D; minus strand). Cytogenetic location: 17q25.1.
Variant type: single nucleotide variant.
Coding change: c.684-3C>T on transcript NM_199242.3 (MANE Select); 3 bases into the intron before coding-DNA position 684, C replaced by T.
Molecular consequence: intron variant.
Genome position (GRCh38, 1-based): chr17:75,840,579, G>A on the plus strand (C>T on the coding strand, the complement: UNC13D is on the minus strand). VCF-style: chr17-75840579-G-A. GRCh37 (hg19) VCF-style: chr17-73836660-G-A.
Identifiers: ClinVar variation 2169525 (VCV002169525.1), dbSNP rs766321139, ClinGen allele CA8773322.

ClinVar aggregate classification (germline): Uncertain significance (1 of 4 stars; one submission).

Conditions:
Familial hemophagocytic lymphohistiocytosis 3 (FHL3). Also called: UNC13D-Related Familial Hemophagocytic Lymphohistiocytosis (UNC13D-fHLH). Identifiers: Orphanet 540, MedGen C1837174, MONDO:0012146, OMIM 608898.

Allele frequency attached by ClinVar (database versions not stated): TOPMed below 0.00001; gnomAD exomes 0.00001; ExAC 0.00002.
gnomAD v4.1: 6 of 1,613,960 alleles (0.00037%); highest among the groups gnomAD compares: South Asian, 0.0011%; no homozygotes.

Submission:

Labcorp Genetics (formerly Invitae), Labcorp
Classification: Uncertain significance for Familial hemophagocytic lymphohistiocytosis 3. Last evaluated: 2022-03-20. Review status: criteria provided, single submitter. Criteria: Invitae Variant Classification Sherloc (09022015). Collection method: clinical testing. Allele origin: germline.
Comment: This sequence change falls in intron 8 of the UNC13D gene. It does not directly change the encoded amino acid sequence of the UNC13D protein. It affects a nucleotide within the consensus splice site. This variant is present in population databases (rs766321139, gnomAD 0.003%). This variant has not been reported in the literature in individuals affected with UNC13D-related conditions. Variants that disrupt the consensus splice site are a relatively common cause of aberrant splicing (PMID: 17576681, 9536098). Algorithms developed to predict the effect of sequence changes on RNA splicing suggest that this variant is not likely to affect RNA splicing. In summary, the available evidence is currently insufficient to determine the role of this variant in disease. Therefore, it has been classified as a Variant of Uncertain Significance.

Literature cited by the submitters: PubMed 17576681; PubMed 9536098.